The following is an entry in ClinVar:

ClinVar aggregate classification (germline): Uncertain significance. Review status: criteria provided, multiple submitters, no conflicts (2 of 4 stars). 2 submissions from 2 submitters: Uncertain significance (2). Last evaluated 2024-10-24.

Conditions:
Progressive external ophthalmoplegia with mitochondrial DNA deletions, autosomal dominant 4. Also called: PROGRESSIVE EXTERNAL OPHTHALMOPLEGIA, AUTOSOMAL DOMINANT 4. Identifiers: MedGen C1864668, MONDO:0012415, OMIM 610131.

Allele frequency attached by ClinVar (database versions not stated): TOPMed below 0.00001; gnomAD 0.00001; ESP Exome Variant Server 0.00008.
gnomAD v4.1: 9 of 1,613,722 alleles (0.00056%); highest among the groups gnomAD compares: Non-Finnish European, 0.00076%; no homozygotes.

Submissions (2):

Labcorp Genetics (formerly Invitae), Labcorp
Classification: Uncertain significance. Last evaluated: 2024-10-24. Review status: criteria provided, single submitter. Criteria: Invitae Variant Classification Sherloc (09022015). Collection method: clinical testing. Allele origin: germline.
Comment: This sequence change replaces glutamic acid, which is acidic and polar, with lysine, which is basic and polar, at codon 123 of the POLG2 protein (p.Glu123Lys). This variant is not present in population databases (gnomAD no frequency). This variant has not been reported in the literature in individuals affected with POLG2-related conditions. ClinVar contains an entry for this variant (Variation ID: 1333959). An algorithm developed to predict the effect of missense changes on protein structure and function (PolyPhen-2) suggests that this variant is likely to be disruptive. In summary, the available evidence is currently insufficient to determine the role of this variant in disease. Therefore, it has been classified as a Variant of Uncertain Significance.

CENTOGENE GmbH and LLC - Guiding Precision Medicine
Classification: Uncertain significance for Progressive external ophthalmoplegia with mitochondrial DNA deletions, autosomal dominant 4. Last evaluated: 2020-05-12. Review status: criteria provided, single submitter. Criteria: ACMG Guidelines, 2015. Collection method: clinical testing. Allele origin: maternal.

NM_007215.4(POLG2):c.367G>A (p.Glu123Lys)

Genes: POLG2 (DNA polymerase gamma 2, accessory subunit; minus strand), MILR1 (mast cell immunoglobulin like receptor 1; plus strand). Cytogenetic location: 17q23.3.
Variant type: single nucleotide variant.
Coding change: c.367G>A on transcript NM_007215.4 (MANE Select); coding-DNA position 367, G replaced by A.
Protein change: p.Glu123Lys; replaces glutamic acid 123 with lysine.
Molecular consequence: missense variant.
Genome position (GRCh38, 1-based): chr17:64,496,602, C>T on the plus strand (G>A on the coding strand, the complement: POLG2 is on the minus strand). VCF-style: chr17-64496602-C-T. GRCh37 (hg19) VCF-style: chr17-62492720-C-T.
Other names: short protein forms E123K.
Identifiers: ClinVar variation 1333959 (VCV001333959.3), dbSNP rs377428467, ClinGen allele CA8713040.